The following is an entry in ClinVar:

NM_033380.3(COL4A5):c.2957T>A (p.Leu986Ter)

Gene: COL4A5 (collagen type IV alpha 5 chain; plus strand). Cytogenetic location: Xq22.3.
Variant type: single nucleotide variant.
Coding change: c.2957T>A on transcript NM_033380.3 (MANE Select); coding-DNA position 2957, T replaced by A.
Protein change: p.Leu986Ter; replaces leucine 986 with a stop codon.
Molecular consequence: nonsense.
Genome position (GRCh38, 1-based): chrX:108,624,275, T>A. VCF-style: chrX-108624275-T-A. GRCh37 (hg19) VCF-style: chrX-107867505-T-A.
Other names: c.2957T>A, p.Leu986Ter (NM_000495.5); short protein forms L986*.
Identifiers: ClinVar variation 983900 (VCV000983900.3), dbSNP rs2067109423, ClinGen allele CA413853305.

ClinVar aggregate classification (germline): Likely pathogenic (1 of 4 stars; one submission).

Conditions:
X-linked Alport syndrome (ATS1). Also called: NEPHROPATHY AND DEAFNESS, X-LINKED; COL4A5-Related Nephropathy. Identifiers: Orphanet 63, Orphanet 88917, MedGen C4746986, MONDO:0010520, OMIM 301050.

Submission:

Myriad Genetics, Inc.
Classification: Likely pathogenic for X-linked Alport syndrome. Last evaluated: 2020-03-01. Review status: criteria provided, single submitter. Criteria: Myriad Women's Health Autosomal Recessive and X-Linked Classification Criteria (2019). Collection method: clinical testing. Allele origin: unknown.
Comment: NM_000495.4(COL4A5):c.2957T>A(L986*) is expected to be pathogenic in the context of X-linked Alport syndrome. This variant is predicted to lead to an abnormal or absent protein product due to the creation of a premature termination codon in COL4A5, a gene where loss-of-function variants are known to be pathogenic. Please note: this variant was assessed in the context of healthy population screening.